The following is an entry in ClinVar:

ClinVar aggregate classification (germline): Uncertain significance (1 of 4 stars; one submission).

Conditions:
Hereditary cancer-predisposing syndrome. Also called: Neoplastic Syndromes, Hereditary; Tumor predisposition; Hereditary neoplastic syndrome; Hereditary Cancer Syndrome. Identifiers: Orphanet 140162, MedGen C0027672, MeSH D009386, MONDO:0015356.
Cardiovascular phenotype. Identifiers: MedGen CN230736.

Submission:

Ambry Genetics
Classification: Uncertain significance for Cardiovascular phenotype; Hereditary cancer-predisposing syndrome. Last evaluated: 2023-01-12. Review status: criteria provided, single submitter. Criteria: Ambry Variant Classification Scheme 2023. Collection method: clinical testing. Allele origin: germline.
Comment: The p.S1916Y variant (also known as c.5747C>A), located in coding exon 38 of the NF1 gene, results from a C to A substitution at nucleotide position 5747. The serine at codon 1916 is replaced by tyrosine, an amino acid with dissimilar properties. This amino acid position is conserved. In addition, this alteration is predicted to be deleterious by in silico analysis. Since supporting evidence is limited at this time, the clinical significance of this alteration remains unclear.

NM_001042492.3(NF1):c.5810C>A (p.Ser1937Tyr)

Gene: NF1 (neurofibromin 1; plus strand). Cytogenetic location: 17q11.2.
Variant type: single nucleotide variant.
Coding change: c.5810C>A on transcript NM_001042492.3 (MANE Select); coding-DNA position 5810, C replaced by A.
Protein change: p.Ser1937Tyr; replaces serine 1937 with tyrosine.
Molecular consequence: missense variant.
Genome position (GRCh38, 1-based): chr17:31,330,496, C>A. VCF-style: chr17-31330496-C-A. GRCh37 (hg19) VCF-style: chr17-29657514-C-A.
Other names: c.5747C>A, p.Ser1916Tyr (NM_000267.4); short protein forms S1916Y, S1937Y.
Identifiers: ClinVar variation 2452274 (VCV002452274.2), dbSNP rs2151545002, ClinGen allele CA399010529.